The following is an entry in ClinVar:

ClinVar aggregate classification (germline): Benign/Likely benign. Review status: criteria provided, multiple submitters, no conflicts (2 of 4 stars). 4 submissions from 4 submitters: Benign (1); Likely benign (3). Last evaluated 2025-08-13.

Conditions:
Hereditary cancer-predisposing syndrome. Also called: Tumor predisposition; Neoplastic Syndromes, Hereditary; Hereditary Cancer Syndrome; Hereditary neoplastic syndrome. Identifiers: Orphanet 140162, MedGen C0027672, MeSH D009386, MONDO:0015356.
Familial melanoma. Also called: Hereditary melanoma; Hereditary cutaneous melanoma. Identifiers: Orphanet 618, MedGen C1512419, MONDO:0018961.
Melanoma-pancreatic cancer syndrome. Identifiers: Orphanet 404560, MedGen C1838547, MONDO:0011713, OMIM 606719. Disease mechanism: loss of function.

Submissions (4):

Myriad Genetics, Inc.
Classification: Benign for Melanoma-pancreatic cancer syndrome. Last evaluated: 2025-08-13. Review status: criteria provided, single submitter. Criteria: Myriad Autosomal Dominant, Autosomal Recessive and X-Linked Classification Criteria (2023). Collection method: clinical testing. Allele origin: unknown.
Comment: This variant is considered benign. This variant is a silent/synonymous amino acid change and it is not expected to impact splicing.

Ambry Genetics
Classification: Likely benign for Hereditary cancer-predisposing syndrome. Last evaluated: 2023-09-17. Review status: criteria provided, single submitter. Criteria: Ambry Variant Classification Scheme 2023. Collection method: clinical testing. Allele origin: germline.

Labcorp Genetics (formerly Invitae), Labcorp
Classification: Likely benign for Familial melanoma. Last evaluated: 2018-10-29. Review status: criteria provided, single submitter. Criteria: Invitae Variant Classification Sherloc (09022015). Collection method: clinical testing. Allele origin: germline.

Color Diagnostics, LLC DBA Color Health
Classification: Likely benign for Hereditary cancer-predisposing syndrome. Last evaluated: 2017-12-15. Review status: criteria provided, single submitter. Criteria: ACMG Guidelines, 2015. Collection method: clinical testing. Allele origin: germline.

NM_000077.5(CDKN2A):c.90G>A (p.Ala30=)

Gene: CDKN2A (cyclin dependent kinase inhibitor 2A; minus strand). Cytogenetic location: 9p21.3.
Variant type: single nucleotide variant.
Coding change: c.90G>A on transcript NM_000077.5; coding-DNA position 90, G replaced by A.
Protein change: p.Ala30=; no amino-acid change (alanine 30 retained).
Molecular consequence: synonymous variant (on NM_000077.6). On other transcripts: intron variant (2).
Genome position (GRCh38, 1-based): chr9:21,974,738, C>T on the plus strand (G>A on the coding strand, the complement: CDKN2A is on the minus strand). VCF-style: chr9-21974738-C-T. GRCh37 (hg19) VCF-style: chr9-21974737-C-T.
Other names: c.90G>A, p.Ala30= (NM_000077.6, NM_001195132.2, NM_058197.5); c.-3-3530G>A (NM_001363763.2); c.194-3530G>A (NM_058195.4).
Identifiers: ClinVar variation 631049 (VCV000631049.13), dbSNP rs1563892643, ClinGen allele CA464100156.